The following is an entry in ClinVar:

NM_000090.4(COL3A1):c.1694C>T (p.Pro565Leu)

Gene: COL3A1 (collagen type III alpha 1 chain; plus strand). Cytogenetic location: 2q32.2.
Variant type: single nucleotide variant.
Coding change: c.1694C>T on transcript NM_000090.4 (MANE Select); coding-DNA position 1694, C replaced by T.
Protein change: p.Pro565Leu; replaces proline 565 with leucine.
Molecular consequence: missense variant.
Genome position (GRCh38, 1-based): chr2:188,996,429, C>T. VCF-style: chr2-188996429-C-T. GRCh37 (hg19) VCF-style: chr2-189861155-C-T.
Other names: short protein forms P565L.
Identifiers: ClinVar variation 3268717 (VCV003268717.2).

ClinVar aggregate classification (germline): Uncertain significance. Review status: criteria provided, multiple submitters, no conflicts (2 of 4 stars). 2 submissions from 2 submitters: Uncertain significance (2). Last evaluated 2025-09-25.

Conditions:
COL3A1-related disorder. Also called: COL3A1-related condition.
Familial thoracic aortic aneurysm and aortic dissection (TAAD). Also called: Thoracic aortic aneurysms and dissections. Identifiers: Orphanet 91387, MedGen C4707243, MONDO:0019625.

Submissions (2):

PreventionGenetics, part of Exact Sciences
Classification: Uncertain significance for COL3A1-related condition. Last evaluated: 2025-09-25. Review status: criteria provided, single submitter. Criteria: ACMG Guidelines, 2015. Collection method: clinical testing. Allele origin: germline.
Comment: The COL3A1 c.1694C>T variant is predicted to result in the amino acid substitution p.Pro565Leu. To our knowledge, this variant has not been reported in the literature or in a large population database (gnomAD), indicating this variant is rare. The majority of documented causative missense variants in COL3A1 substitute a glycine residue to another amino acid in the Gly-X-Y triple helical domain (Pepin et al. 2014. PubMed ID: 24922459). This variant does not alter a glycine residue. Without additional information, the clinical significance of this variant is uncertain due to the absence of conclusive functional and genetic evidence.

Ambry Genetics
Classification: Uncertain significance for Familial thoracic aortic aneurysm and aortic dissection. Last evaluated: 2024-06-11. Review status: criteria provided, single submitter. Criteria: Ambry Variant Classification Scheme 2023. Collection method: clinical testing. Allele origin: germline.
Comment: The p.P565L variant (also known as c.1694C>T), located in coding exon 24 of the COL3A1 gene, results from a C to T substitution at nucleotide position 1694. The proline at codon 565 is replaced by leucine, an amino acid with similar properties. This amino acid position is well conserved in available vertebrate species. In addition, the in silico prediction for this alteration is inconclusive. Based on the available evidence, the clinical significance of this variant remains unclear.